The following is an entry in ClinVar:

ClinVar aggregate classification (germline): Pathogenic (1 of 4 stars; one submission).

gnomAD v4.1: 1 of 1,612,286 alleles (0.000062%); highest among the groups gnomAD compares: Admixed American, 0.0017%; no homozygotes.

Submission:

Labcorp Genetics (formerly Invitae), Labcorp
Classification: Pathogenic. Last evaluated: 2025-12-21. Review status: criteria provided, single submitter. Criteria: Invitae Variant Classification Sherloc (09022015). Collection method: clinical testing. Allele origin: germline.
Comment: This sequence change creates a premature translational stop signal (p.Gln1095*) in the LAMC3 gene. It is expected to result in an absent or disrupted protein product. Loss-of-function variants in LAMC3 are known to be pathogenic (PMID: 21572413, 26802095). This variant is not present in population databases (gnomAD no frequency). This variant has not been reported in the literature in individuals affected with LAMC3-related conditions. For these reasons, this variant has been classified as Pathogenic.

Literature cited by the submitters: PubMed 21572413; PubMed 26802095.

NM_006059.4(LAMC3):c.3283C>T (p.Gln1095Ter)

Gene: LAMC3 (laminin subunit gamma 3; plus strand). Cytogenetic location: 9q34.12.
Variant type: single nucleotide variant.
Coding change: c.3283C>T on transcript NM_006059.4 (MANE Select); coding-DNA position 3283, C replaced by T.
Protein change: p.Gln1095Ter; replaces glutamine 1095 with a stop codon.
Molecular consequence: nonsense.
Genome position (GRCh38, 1-based): chr9:131,072,701, C>T. VCF-style: chr9-131072701-C-T. GRCh37 (hg19) VCF-style: chr9-133948088-C-T.
Other names: short protein forms Q1095*.
Identifiers: ClinVar variation 4733352 (VCV004733352.1).